The following is an entry in ClinVar:

ClinVar aggregate classification (germline): Conflicting classifications of pathogenicity. Review status: criteria provided, conflicting classifications (1 of 4 stars). 6 submissions from 6 submitters: Uncertain significance (5); Likely benign (1). Last evaluated 2026-10-01.

Conditions:
Cardiovascular phenotype. Identifiers: MedGen CN230736.
Hereditary cancer-predisposing syndrome. Also called: Hereditary neoplastic syndrome; Hereditary Cancer Syndrome; Neoplastic Syndromes, Hereditary; Tumor predisposition. Identifiers: Orphanet 140162, MedGen C0027672, MeSH D009386, MONDO:0015356.
Juvenile myelomonocytic leukemia (JMML). Also called: LEUKEMIA, JUVENILE MYELOMONOCYTIC, SOMATIC. Identifiers: Orphanet 86834, MedGen C0349639, MONDO:0011908, OMIM 607785, HP:0012209.
Neurofibromatosis, type 1 (NF1). Also called: Neurofibromatosis, type I; Peripheral type neurofibromatosis; VON RECKLINGHAUSEN DISEASE; NEUROFIBROMATOSIS, TYPE I, SOMATIC. Identifiers: Orphanet 636, MedGen C0027831, MONDO:0018975, OMIM 162200. Disease mechanism: loss of function.

Allele frequency attached by ClinVar (database versions not stated): gnomAD exomes below 0.00001.
gnomAD v4.1: 3 of 1,613,954 alleles (0.00019%); highest among the groups gnomAD compares: Non-Finnish European, 0.00025%; no homozygotes.

Submissions (6):

St. Jude Molecular Pathology, St. Jude Children's Research Hospital
Classification: Uncertain significance for Neurofibromatosis, type 1. Last evaluated: 2026-10-01. Review status: criteria provided, single submitter. Criteria: St. Jude Assertion Criteria 2020. Collection method: clinical testing. Allele origin: germline.
Comment: The NF1 c.4473G>C p.(Trp1491Cys) missense change is absent in gnomAD v2.1.1. The in silico tool REVEL predicts a deleterious effect on protein function, but to our knowledge this prediction has not been confirmed by functional studies. To our knowledge, this variant has not been reported in individuals with Neurofibromatosis type 1. In summary, the evidence currently available is insufficient to determine the clin ical significance of this variant. It has therefore been classified as of uncertain significance.

Labcorp Genetics (formerly Invitae), Labcorp
Classification: Likely benign for Neurofibromatosis, type 1. Last evaluated: 2025-12-20. Review status: criteria provided, single submitter. Criteria: Invitae Variant Classification Sherloc (09022015). Collection method: clinical testing. Allele origin: germline.

GeneDx
Classification: Uncertain significance. Last evaluated: 2025-09-10. Review status: criteria provided, single submitter. Criteria: GeneDx Variant Classification Process June 2021. Collection method: clinical testing. Allele origin: germline.
Comment: Not observed at significant frequency in large population cohorts (gnomAD); In silico analysis supports that this missense variant has a deleterious effect on protein structure/function; Has not been previously published as pathogenic or benign to our knowledge; This variant is associated with the following publications: (PMID: 29617658, 22807134)

Ambry Genetics
Classification: Uncertain significance for Cardiovascular phenotype; Hereditary cancer-predisposing syndrome. Last evaluated: 2024-07-18. Review status: criteria provided, single submitter. Criteria: Ambry Variant Classification Scheme 2023. Collection method: clinical testing. Allele origin: germline.
Comment: The p.W1491C variant (also known as c.4473G>C), located in coding exon 33 of the NF1 gene, results from a G to C substitution at nucleotide position 4473. The tryptophan at codon 1491 is replaced by cysteine, an amino acid with highly dissimilar properties. This amino acid position is highly conserved in available vertebrate species. In addition, this alteration is predicted to be deleterious by in silico analysis. Since supporting evidence is limited at this time, the clinical significance of this alteration remains unclear.

Baylor Genetics
Classification: Uncertain significance for Juvenile myelomonocytic leukemia. Last evaluated: 2023-08-13. Review status: criteria provided, single submitter. Criteria: ACMG Guidelines, 2015. Collection method: clinical testing. Allele origin: unknown.

Genome-Nilou Lab
Classification: Uncertain significance for Neurofibromatosis, type 1. Last evaluated: 2022-03-15. Review status: criteria provided, single submitter. Criteria: ACMG Guidelines, 2015. Collection method: clinical testing. Allele origin: germline. Affected: no.

NM_001042492.3(NF1):c.4536G>C (p.Trp1512Cys)

Gene: NF1 (neurofibromin 1; plus strand). Cytogenetic location: 17q11.2.
Variant type: single nucleotide variant.
Coding change: c.4536G>C on transcript NM_001042492.3 (MANE Select); coding-DNA position 4536, G replaced by C.
Protein change: p.Trp1512Cys; replaces tryptophan 1512 with cysteine.
Molecular consequence: missense variant.
Genome position (GRCh38, 1-based): chr17:31,260,474, G>C. VCF-style: chr17-31260474-G-C. GRCh37 (hg19) VCF-style: chr17-29587492-G-C.
Other names: c.4473G>C, p.Trp1491Cys (NM_000267.4); short protein forms W1491C, W1512C.
Identifiers: ClinVar variation 237569 (VCV000237569.18), dbSNP rs878853897, ClinGen allele CA10583506.